The following is an entry in ClinVar:

ClinVar aggregate classification (germline): Uncertain significance. Review status: criteria provided, multiple submitters, no conflicts (2 of 4 stars). 2 submissions from 2 submitters: Uncertain significance (2). Last evaluated 2024-02-14.

Allele frequency attached by ClinVar (database versions not stated): gnomAD exomes below 0.00001; ExAC 0.00002; gnomAD 0.00002; TOPMed 0.00002; 1000 Genomes Project 30x 0.00016; 1000 Genomes Project 0.00020.
gnomAD v4.1: 9 of 1,613,834 alleles (0.00056%); highest among the groups gnomAD compares: East Asian, 0.011%; no homozygotes.

Submissions (2):

Labcorp Genetics (formerly Invitae), Labcorp
Classification: Uncertain significance. Last evaluated: 2024-02-14. Review status: criteria provided, single submitter. Criteria: Invitae Variant Classification Sherloc (09022015). Collection method: clinical testing. Allele origin: germline.
Comment: This sequence change replaces glutamic acid, which is acidic and polar, with lysine, which is basic and polar, at codon 679 of the TECTA protein (p.Glu679Lys). The frequency data for this variant in the population databases is considered unreliable, as metrics indicate poor data quality at this position in the gnomAD database. This variant has not been reported in the literature in individuals affected with TECTA-related conditions. Advanced modeling of protein sequence and biophysical properties (such as structural, functional, and spatial information, amino acid conservation, physicochemical variation, residue mobility, and thermodynamic stability) performed at Invitae indicates that this missense variant is not expected to disrupt TECTA protein function with a negative predictive value of 95%. In summary, the available evidence is currently insufficient to determine the role of this variant in disease. Therefore, it has been classified as a Variant of Uncertain Significance.

Mayo Clinic Laboratories, Mayo Clinic
Classification: Uncertain significance. Last evaluated: 2022-12-21. Review status: criteria provided, single submitter. Criteria: ACMG Guidelines, 2015. Collection method: clinical testing. Allele origin: germline. Observed: 1 variant allele.
Comment: BP4, PM2

NM_005422.4(TECTA):c.2035G>A (p.Glu679Lys)

Genes: TBCEL-TECTA (TBCEL-TECTA readthrough; plus strand), TECTA (tectorin alpha; plus strand). Cytogenetic location: 11q23.3.
Variant type: single nucleotide variant.
Coding change: c.2035G>A on transcript NM_005422.4 (MANE Select); coding-DNA position 2035, G replaced by A.
Protein change: p.Glu679Lys; replaces glutamic acid 679 with lysine.
Molecular consequence: missense variant.
Genome position (GRCh38, 1-based): chr11:121,128,012, G>A. VCF-style: chr11-121128012-G-A. GRCh37 (hg19) VCF-style: chr11-120998721-G-A.
Other names: p.Glu679Lys; c.2992G>A, p.Glu998Lys (NM_001378761.1); short protein forms E679K, E998K.
Identifiers: ClinVar variation 2683172 (VCV002683172.3), dbSNP rs564301291, ClinGen allele CA6326898.
Genomic context (GRCh38, chr11:121,128,012, plus strand): 5'-TACACCATGGGGGAGTTCTTCTGGGCCACGGCCAACTGCACTGTGCAATGCCTGTGCGAG[G>A]AGGGCGGGGACGTCTACTGCTTCAACAAGACCTGCGGCAGCGGGGAGGTGTGCGCCGTGG-3'
Protein context (NP_005413.2, residues 669-689): ANCTVQCLCE[Glu679Lys]GGDVYCFNKT